The following is an entry in ClinVar:

ClinVar aggregate classification (germline): Uncertain significance. Review status: criteria provided, multiple submitters, no conflicts (2 of 4 stars). 8 submissions from 6 submitters: Uncertain significance (8). Last evaluated 2026-07-31.

Conditions:
Inborn genetic diseases. Identifiers: MedGen C0950123, MeSH D030342.
Amyotrophic lateral sclerosis type 5 (ALS5). Also called: AMYOTROPHIC LATERAL SCLEROSIS 5, JUVENILE. Identifiers: Orphanet 300605, MedGen C1865864, MONDO:0011196, OMIM 602099.
Charcot-Marie-Tooth disease axonal type 2X. Also called: CHARCOT-MARIE-TOOTH DISEASE, AXONAL, AUTOSOMAL RECESSIVE, TYPE 2X; CHARCOT-MARIE-TOOTH NEUROPATHY, TYPE 2X. Identifiers: Orphanet 466775, MedGen C5569024, MONDO:0014726, OMIM 616668.
Hereditary spastic paraplegia 11. Also called: SPASTIC PARAPLEGIA, AUTOSOMAL RECESSIVE, COMPLICATED, WITH THIN CORPUS CALLOSUM; SPASTIC PARAPLEGIA, AUTOSOMAL RECESSIVE, WITH MENTAL IMPAIRMENT AND THIN CORPUS CALLOSUM; Spastic Paraplegia 11; Spastic paraplegia, mental retardation and thin corpus callosum; Autosomal recessive hereditary spastic paraplegia, mental impairment, and thin corpus callosum; Nakamura Osame syndrome. Identifiers: Orphanet 2822, MedGen C1858479, MONDO:0011445, OMIM 604360.

Allele frequency attached by ClinVar (database versions not stated): ExAC 0.00003; gnomAD 0.00003; gnomAD exomes 0.00003 and 0.00006; TOPMed 0.00005; ESP Exome Variant Server 0.00008.
gnomAD v4.1: 90 of 1,613,920 alleles (0.0056%); highest among the groups gnomAD compares: Non-Finnish European, 0.0071%; no homozygotes.

Submissions (8):

GeneDx
Classification: Uncertain significance. Last evaluated: 2026-07-31. Review status: criteria provided, single submitter. Criteria: GeneDx Variant Classification Process June 2021. Collection method: clinical testing. Allele origin: germline.
Comment: Reported in two siblings with Cockayne syndrome; however, both siblings also harbor two variants in the ERCC6 gene (PMID: 42232504); In silico analysis supports that this missense variant has a deleterious effect on protein structure/function; Not observed at significant frequency in large population cohorts (gnomAD); This variant is associated with the following publications: (PMID: 42232504)

Labcorp Genetics (formerly Invitae), Labcorp
Classification: Uncertain significance for Hereditary spastic paraplegia 11. Last evaluated: 2024-12-09. Review status: criteria provided, single submitter. Criteria: Invitae Variant Classification Sherloc (09022015). Collection method: clinical testing. Allele origin: germline.
Comment: This sequence change replaces leucine, which is neutral and non-polar, with proline, which is neutral and non-polar, at codon 1357 of the SPG11 protein (p.Leu1357Pro). This variant is present in population databases (rs367550468, gnomAD 0.005%). This variant has not been reported in the literature in individuals affected with SPG11-related conditions. ClinVar contains an entry for this variant (Variation ID: 406534). Invitae Evidence Modeling of protein sequence and biophysical properties (such as structural, functional, and spatial information, amino acid conservation, physicochemical variation, residue mobility, and thermodynamic stability) indicates that this missense variant is not expected to disrupt SPG11 protein function with a negative predictive value of 80%. In summary, the available evidence is currently insufficient to determine the role of this variant in disease. Therefore, it has been classified as a Variant of Uncertain Significance.

Blueprint Genetics
Classification: Uncertain significance. Last evaluated: 2022-11-22. Review status: criteria provided, single submitter. Criteria: ACMG Guidelines, 2015. Collection method: clinical testing. Allele origin: germline.

Ambry Genetics
Classification: Uncertain significance for Inborn genetic diseases. Last evaluated: 2020-10-19. Review status: criteria provided, single submitter. Criteria: Ambry Variant Classification Scheme 2023. Collection method: clinical testing. Allele origin: germline.
Comment: The p.L1357P variant (also known as c.4070T>C), located in coding exon 24 of the SPG11 gene, results from a T to C substitution at nucleotide position 4070. The leucine at codon 1357 is replaced by proline, an amino acid with similar properties. This amino acid position is not well conserved in available vertebrate species. In addition, the in silico prediction for this alteration is inconclusive. Since supporting evidence is limited at this time, the clinical significance of this alteration remains unclear.

Eurofins Ntd Llc (ga)
Classification: Uncertain significance. Last evaluated: 2016-10-27. Review status: criteria provided, single submitter. Criteria: EGL Classification Definitions 2015. Collection method: clinical testing. Allele origin: germline. Observed: 1 variant allele, 1 heterozygote.

Genome-Nilou Lab
Classification: Uncertain significance for Amyotrophic lateral sclerosis type 5. Review status: criteria provided, single submitter. Criteria: ACMG Guidelines, 2015. Collection method: clinical testing. Allele origin: germline.

Genome-Nilou Lab
Classification: Uncertain significance for Charcot-Marie-Tooth disease axonal type 2X. Review status: criteria provided, single submitter. Criteria: ACMG Guidelines, 2015. Collection method: clinical testing. Allele origin: germline.

Genome-Nilou Lab
Classification: Uncertain significance for Hereditary spastic paraplegia 11. Review status: criteria provided, single submitter. Criteria: ACMG Guidelines, 2015. Collection method: clinical testing. Allele origin: germline.

NM_025137.4(SPG11):c.4070T>C (p.Leu1357Pro)

Gene: SPG11 (SPG11 vesicle trafficking associated, spatacsin; minus strand). Cytogenetic location: 15q21.1.
Variant type: single nucleotide variant.
Coding change: c.4070T>C on transcript NM_025137.4 (MANE Select); coding-DNA position 4070, T replaced by C.
Protein change: p.Leu1357Pro; replaces leucine 1357 with proline.
Molecular consequence: missense variant.
Genome position (GRCh38, 1-based): chr15:44,596,875, A>G on the plus strand (T>C on the coding strand, the complement: SPG11 is on the minus strand). VCF-style: chr15-44596875-A-G. GRCh37 (hg19) VCF-style: chr15-44889073-A-G.
Other names: c.4070T>C, p.Leu1357Pro (NM_001160227.2); short protein forms L1357P.
Identifiers: ClinVar variation 406534 (VCV000406534.17), dbSNP rs367550468, ClinGen allele CA7534772.